The following is an entry in ClinVar:

ClinVar aggregate classification (germline): Pathogenic (0 of 4 stars; one submission).

Conditions:
von Willebrand disease type 3 (VWD3). Also called: Type 3 Von Willebrand's disease; Type 3 VWD; Von Willebrand disease, severe form; V WD3; VON WILLEBRAND DISEASE, TYPE III. Identifiers: Orphanet 166096, MedGen C1264041, MONDO:0010191, OMIM 277480.

Submission:

Cancer Genetics Lab, Istanbul University Institute of Oncology
Classification: Pathogenic for von Willebrand disease type 3. Last evaluated: 2025-07-17. Review status: no assertion criteria provided. Collection method: clinical testing. Allele origin: germline. Inheritance: Autosomal recessive inheritance. Affected: yes. Observed: 1 homozygote.
Comment: The NM_000552.4 c.1831_1834delinsTGTGCTCCTGCTCGGACGGCCTGTGGAAC is a frameshift variant in VWF gene which is predicted to result in a premature stop codon at position p.(Asp611Cysfs*47), and likely results in an absent or disrupted protein product (PVS1).

NM_000552.5(VWF):c.1831_1834delinsTGTGCTCCTGCTCGGACGGCCTGTGGAAC (p.Asp611fs)

Gene: VWF (von Willebrand factor; minus strand). Cytogenetic location: 12p13.31.
Variant type: Indel.
Coding change: c.1831_1834delinsTGTGCTCCTGCTCGGACGGCCTGTGGAAC on transcript NM_000552.5 (MANE Select); coding-DNA positions 1831 to 1834, GACG replaced by TGTGCTCCTGCTCGGACGGCCTGTGGAAC.
Protein change: p.Asp611fs; shifts the reading frame from aspartic acid 611.
Molecular consequence: frameshift variant.
Genome position (GRCh38, 1-based): chr12:6,056,968-6,056,971, CGTC replaced by GTTCCACAGGCCGTCCGAGCAGGAGCACA on the plus strand (GACG replaced by TGTGCTCCTGCTCGGACGGCCTGTGGAAC on the coding strand, the reverse complement: VWF is on the minus strand). GRCh37 (hg19): chr12:6,166,134-6,166,137.
Other names: short protein forms D611fs.
Identifiers: ClinVar variation 4073546 (VCV004073546.1).